The following is an entry in ClinVar:

ClinVar aggregate classification (germline): Uncertain significance (1 of 4 stars; one submission).

Conditions:
Cohen syndrome (COH1). Also called: PEPPER SYNDROME; Cutis verticis gyrata, retinitis pigmentosa, and sensorineural deafness. Identifiers: Orphanet 193, MedGen C0265223, MONDO:0008999, OMIM 216550.

gnomAD v4.1: 1 of 1,613,412 alleles (0.000062%); highest among the groups gnomAD compares: South Asian, 0.0011%; no homozygotes.

Submission:

Labcorp Genetics (formerly Invitae), Labcorp
Classification: Uncertain significance for Cohen syndrome. Last evaluated: 2021-11-13. Review status: criteria provided, single submitter. Criteria: Invitae Variant Classification Sherloc (09022015). Collection method: clinical testing. Allele origin: germline.
Comment: In summary, the available evidence is currently insufficient to determine the role of this variant in disease. Therefore, it has been classified as a Variant of Uncertain Significance. Algorithms developed to predict the effect of missense changes on protein structure and function are either unavailable or do not agree on the potential impact of this missense change (SIFT: "Not Available"; PolyPhen-2: "Benign"; Align-GVGD: "Not Available"). This variant has not been reported in the literature in individuals affected with VPS13B-related conditions. This variant is not present in population databases (gnomAD no frequency). This sequence change replaces histidine, which is basic and polar, with aspartic acid, which is acidic and polar, at codon 3258 of the VPS13B protein (p.His3258Asp).

NM_152564.5(VPS13B):c.9697C>G (p.His3233Asp)

Gene: VPS13B (vacuolar protein sorting 13 homolog B; plus strand). Cytogenetic location: 8q22.2.
Variant type: single nucleotide variant.
Coding change: c.9697C>G on transcript NM_152564.5 (MANE Select); coding-DNA position 9697, C replaced by G.
Protein change: p.His3233Asp; replaces histidine 3233 with aspartic acid.
Molecular consequence: missense variant.
Genome position (GRCh38, 1-based): chr8:99,835,279, C>G. VCF-style: chr8-99835279-C-G. GRCh37 (hg19) VCF-style: chr8-100847507-C-G.
Other names: c.9772C>G, p.His3258Asp (NM_017890.5); short protein forms H3233D, H3258D.
Identifiers: ClinVar variation 1393092 (VCV001393092.6), dbSNP rs1815326772, ClinGen allele CA371782684.